The following is an entry in ClinVar:

NM_014251.3(SLC25A13):c.922G>A (p.Ala308Thr)

Gene: SLC25A13 (solute carrier family 25 member 13; minus strand). Cytogenetic location: 7q21.3.
Variant type: single nucleotide variant.
Coding change: c.922G>A on transcript NM_014251.3 (MANE Select); coding-DNA position 922, G replaced by A.
Protein change: p.Ala308Thr; replaces alanine 308 with threonine.
Molecular consequence: missense variant. On other transcripts: non-coding transcript variant (1).
Genome position (GRCh38, 1-based): chr7:96,189,305, C>T on the plus strand (G>A on the coding strand, the complement: SLC25A13 is on the minus strand). VCF-style: chr7-96189305-C-T. GRCh37 (hg19) VCF-style: chr7-95818617-C-T.
Other names: c.922G>A, p.Ala308Thr (NM_001160210.2); short protein forms A308T.
Identifiers: ClinVar variation 856832 (VCV000856832.8), dbSNP rs922613966, ClinGen allele CA162994062.

ClinVar aggregate classification (germline): Uncertain significance. Review status: criteria provided, single submitter (1 of 4 stars). 2 submissions from 2 submitters: Uncertain significance (1). 1 of the submissions does not count toward it. Last evaluated 2021-09-01.

Conditions:
Citrin deficiency. Identifiers: Orphanet 247582, MedGen C1997910, MONDO:0016602.
Citrullinemia. Identifiers: Orphanet 187, MedGen C0175683, MONDO:0015991.

Allele frequency attached by ClinVar (database versions not stated): gnomAD 0.00001; TOPMed 0.00002.
gnomAD v4.1: 2 of 1,614,038 alleles (0.00012%); highest among the groups gnomAD compares: African/African-American, 0.0027%; no homozygotes.

Submissions (2):

Labcorp Genetics (formerly Invitae), Labcorp
Classification: Uncertain significance for Citrin deficiency. Last evaluated: 2021-09-01. Review status: criteria provided, single submitter. Criteria: Invitae Variant Classification Sherloc (09022015). Collection method: clinical testing. Allele origin: germline.
Comment: This sequence change replaces alanine with threonine at codon 308 of the SLC25A13 protein (p.Ala308Thr). The alanine residue is moderately conserved and there is a small physicochemical difference between alanine and threonine. This variant is not present in population databases (ExAC no frequency). This variant has not been reported in the literature in individuals affected with SLC25A13-related conditions. ClinVar contains an entry for this variant (Variation ID: 856832). Algorithms developed to predict the effect of missense changes on protein structure and function output the following: SIFT: "Tolerated"; PolyPhen-2: "Benign"; Align-GVGD: "Class C0". The threonine amino acid residue is found in multiple mammalian species, which suggests that this missense change does not adversely affect protein function. In summary, the available evidence is currently insufficient to determine the role of this variant in disease. Therefore, it has been classified as a Variant of Uncertain Significance.

Natera, Inc.
Classification: Uncertain significance for Citrullinemia. Last evaluated: 2020-12-31. Review status: no assertion criteria provided. Collection method: clinical testing. Allele origin: germline. Not counted in ClinVar's aggregate classification.